The following is an entry in ClinVar:

ClinVar aggregate classification (germline): Uncertain significance (1 of 4 stars; one submission).

Allele frequency attached by ClinVar (database versions not stated): gnomAD exomes below 0.00001.
gnomAD v4.1: 1 of 1,201,562 alleles (0.000083%); highest among the groups gnomAD compares: Non-Finnish European, 0.00011%; no homozygotes.

Submission:

GeneDx
Classification: Uncertain significance. Last evaluated: 2024-12-06. Review status: criteria provided, single submitter. Criteria: GeneDx Variant Classification Process June 2021. Collection method: clinical testing. Allele origin: germline. Affected: yes.
Comment: Not observed at significant frequency in large population cohorts (gnomAD); In silico analysis indicates that this missense variant does not alter protein structure/function; Has not been previously published as pathogenic or benign to our knowledge

NM_001039591.3(USP9X):c.1202G>A (p.Arg401Gln)

Gene: USP9X (ubiquitin specific peptidase 9 X-linked; plus strand). Cytogenetic location: Xp11.4.
Variant type: single nucleotide variant.
Coding change: c.1202G>A on transcript NM_001039591.3 (MANE Select); coding-DNA position 1202, G replaced by A.
Protein change: p.Arg401Gln; replaces arginine 401 with glutamine.
Molecular consequence: missense variant.
Genome position (GRCh38, 1-based): chrX:41,143,331, G>A. VCF-style: chrX-41143331-G-A. GRCh37 (hg19) VCF-style: chrX-41002584-G-A.
Other names: c.1202G>A, p.Arg401Gln (NM_001039590.3); short protein forms R401Q.
Identifiers: ClinVar variation 1678679 (VCV001678679.3), dbSNP rs2147054243, ClinGen allele CA412769357.